The following is an entry in ClinVar:

ClinVar aggregate classification (germline): Uncertain significance (1 of 4 stars; one submission).

gnomAD v4.1: 4 of 1,611,522 alleles (0.00025%); highest among the groups gnomAD compares: East Asian, 0.0022%; no homozygotes.

Submission:

CeGaT Center for Human Genetics Tuebingen
Classification: Uncertain significance. Last evaluated: 2022-06-01. Review status: criteria provided, single submitter. Criteria: CeGaT Center For Human Genetics Tuebingen Variant Classification Criteria Version 2. Collection method: clinical testing. Allele origin: germline. Affected: yes. Observed: 1 variant allele.
Comment: MARF1: PM2

NM_014647.4(MARF1):c.2740G>A (p.Val914Met)

Gene: MARF1 (meiosis regulator and mRNA stability factor 1; minus strand). Cytogenetic location: 16p13.11.
Variant type: single nucleotide variant.
Coding change: c.2740G>A on transcript NM_014647.4 (MANE Select); coding-DNA position 2740, G replaced by A.
Protein change: p.Val914Met; replaces valine 914 with methionine.
Molecular consequence: missense variant.
Genome position (GRCh38, 1-based): chr16:15,617,516, C>T on the plus strand (G>A on the coding strand, the complement: MARF1 is on the minus strand). VCF-style: chr16-15617516-C-T. GRCh37 (hg19) VCF-style: chr16-15711373-C-T.
Other names: c.2740G>A, p.Val914Met (NM_001184998.2); c.2731G>A, p.Val911Met (NM_001184999.2); short protein forms V911M, V914M.
Identifiers: ClinVar variation 2646251 (VCV002646251.24), dbSNP rs2034152204, ClinGen allele CA394859867.